The following is an entry in ClinVar:

NM_138773.4(SLC25A46):c.630C>T (p.Tyr210=)

Gene: SLC25A46 (solute carrier family 25 member 46; plus strand). Cytogenetic location: 5q22.1.
Variant type: single nucleotide variant.
Coding change: c.630C>T on transcript NM_138773.4 (MANE Select); coding-DNA position 630, C replaced by T.
Protein change: p.Tyr210=; no amino-acid change (tyrosine 210 retained).
Molecular consequence: synonymous variant. On other transcripts: non-coding transcript variant (1).
Genome position (GRCh38, 1-based): chr5:110,756,711, C>T. VCF-style: chr5-110756711-C-T. GRCh37 (hg19) VCF-style: chr5-110092411-C-T.
Other names: c.630C>T, p.Tyr210= (NM_001303249.3); c.357C>T, p.Tyr119= (NM_001303250.3); c.630C>T (NM_138773.3).
Identifiers: ClinVar variation 475798 (VCV000475798.17), dbSNP rs201039547, ClinGen allele CA3364675.

ClinVar aggregate classification (germline): Benign/Likely benign. Review status: criteria provided, multiple submitters, no conflicts (2 of 4 stars). 5 submissions from 5 submitters: Benign (1); Likely benign (4). Last evaluated 2026-09-08.

Conditions:
Inborn genetic diseases. Identifiers: MedGen C0950123, MeSH D030342.
SLC25A46-related disorder. Also called: SLC25A46-related condition.
Neuropathy, hereditary motor and sensory, type 6B (HMSN6B). Also called: HMSN VIB; CHARCOT-MARIE-TOOTH DISEASE, TYPE 6B; NEUROPATHY, HEREDITARY MOTOR AND SENSORY, TYPE VIB, WITH OPTIC ATROPHY; Neuropathy, hereditary motor and sensory, type VIB. Identifiers: MedGen C4225302, MONDO:0014671, OMIM 616505.

Allele frequency attached by ClinVar (database versions not stated): gnomAD exomes 0.00014 and 0.00027; gnomAD 0.00017 and 0.00021; TOPMed 0.00017; ExAC 0.00029; 1000 Genomes Project 0.00060; 1000 Genomes Project 30x 0.00062.
gnomAD v4.1: 224 of 1,572,414 alleles (0.014%); highest among the groups gnomAD compares: East Asian, 0.26%; 2 homozygotes.

Submissions (5):

PreventionGenetics, part of Exact Sciences
Classification: Likely benign for SLC25A46-related condition. Last evaluated: 2026-09-08. Review status: criteria provided, single submitter. Criteria: ACMG Guidelines, 2015. Collection method: clinical testing. Allele origin: germline.
Comment: This variant is classified as likely benign based on ACMG/AMP sequence variant interpretation guidelines (Richards et al. 2015 PMID: 25741868, with internal and published modifications).

CeGaT Center for Human Genetics Tuebingen
Classification: Likely benign. Last evaluated: 2026-09-01. Review status: criteria provided, single submitter. Criteria: CeGaT Center For Human Genetics Tuebingen Variant Classification Criteria Version 2. Collection method: clinical testing. Allele origin: germline. Affected: yes. Observed: 1 variant allele.
Comment: SLC25A46: BP4, BP7

Labcorp Genetics (formerly Invitae), Labcorp
Classification: Benign for Neuropathy, hereditary motor and sensory, type 6B. Last evaluated: 2025-12-21. Review status: criteria provided, single submitter. Criteria: Invitae Variant Classification Sherloc (09022015). Collection method: clinical testing. Allele origin: germline.

Blueprint Genetics
Classification: Likely benign. Last evaluated: 2024-09-18. Review status: criteria provided, single submitter. Criteria: ACMG Guidelines, 2015. Collection method: clinical testing. Allele origin: germline.

Ambry Genetics
Classification: Likely benign for Inborn genetic diseases. Last evaluated: 2019-07-11. Review status: criteria provided, single submitter. Criteria: Ambry Variant Classification Scheme 2023. Collection method: clinical testing. Allele origin: germline.